The following is an entry in ClinVar:

NM_080860.4(RSPH1):c.695A>T (p.Asp232Val)

Gene: RSPH1 (radial spoke head component 1; minus strand). Cytogenetic location: 21q22.3.
Variant type: single nucleotide variant.
Coding change: c.695A>T on transcript NM_080860.4 (MANE Select); coding-DNA position 695, A replaced by T.
Protein change: p.Asp232Val; replaces aspartic acid 232 with valine.
Molecular consequence: missense variant.
Genome position (GRCh38, 1-based): chr21:42,477,323, T>A on the plus strand (A>T on the coding strand, the complement: RSPH1 is on the minus strand). VCF-style: chr21-42477323-T-A. GRCh37 (hg19) VCF-style: chr21-43897433-T-A.
Other names: c.581A>T, p.Asp194Val (NM_001286506.2); short protein forms D232V, D194V.
Identifiers: ClinVar variation 525256 (VCV000525256.9), dbSNP rs748503692, ClinGen allele CA410362839.

ClinVar aggregate classification (germline): Uncertain significance (1 of 4 stars; one submission).

Conditions:
Primary ciliary dyskinesia. Also called: Ciliary dyskinesia. Identifiers: Orphanet 244, MedGen C0008780, MONDO:0016575, HP:0012265.

gnomAD v4.1: 6 of 1,607,658 alleles (0.00037%); highest among the groups gnomAD compares: Non-Finnish European, 0.00042%; no homozygotes.

Submission:

Labcorp Genetics (formerly Invitae), Labcorp
Classification: Uncertain significance for Primary ciliary dyskinesia. Last evaluated: 2017-12-21. Review status: criteria provided, single submitter. Criteria: Invitae Variant Classification Sherloc (09022015). Collection method: clinical testing. Allele origin: germline.
Comment: This variant is not present in population databases (ExAC no frequency). This sequence change replaces aspartic acid with valine at codon 232 of the RSPH1 protein (p.Asp232Val). The aspartic acid residue is weakly conserved and there is a large physicochemical difference between aspartic acid and valine. This variant has not been reported in the literature in individuals with RSPH1-related disease. In summary, the available evidence is currently insufficient to determine the role of this variant in disease. Therefore, it has been classified as a Variant of Uncertain Significance. Algorithms developed to predict the effect of sequence changes on RNA splicing suggest that this variant may create or strengthen a splice site, but this prediction has not been confirmed by published transcriptional studies. Algorithms developed to predict the effect of missense changes on protein structure and function (SIFT, PolyPhen-2, Align-GVGD) all suggest that this variant is likely to be tolerated, but these predictions have not been confirmed by published functional studies and their clinical significance is uncertain.